The following is an entry in ClinVar:

ClinVar aggregate classification (germline): Uncertain significance (1 of 4 stars; one submission).

Allele frequency attached by ClinVar (database versions not stated): gnomAD exomes below 0.00001; ExAC 0.00001.
gnomAD v4.1: 2 of 1,613,886 alleles (0.00012%); highest among the groups gnomAD compares: Non-Finnish European, 0.00017%; no homozygotes.

Submission:

Labcorp Genetics (formerly Invitae), Labcorp
Classification: Uncertain significance. Last evaluated: 2023-10-16. Review status: criteria provided, single submitter. Criteria: Invitae Variant Classification Sherloc (09022015). Collection method: clinical testing. Allele origin: germline.
Comment: This sequence change replaces glutamic acid, which is acidic and polar, with glutamine, which is neutral and polar, at codon 1919 of the CHD8 protein (p.Glu1919Gln). This variant is present in population databases (rs760454358, gnomAD 0.0009%). This variant has not been reported in the literature in individuals affected with CHD8-related conditions. ClinVar contains an entry for this variant (Variation ID: 1969790). Advanced modeling of protein sequence and biophysical properties (such as structural, functional, and spatial information, amino acid conservation, physicochemical variation, residue mobility, and thermodynamic stability) performed at Invitae indicates that this missense variant is not expected to disrupt CHD8 protein function. In summary, the available evidence is currently insufficient to determine the role of this variant in disease. Therefore, it has been classified as a Variant of Uncertain Significance.

NM_001170629.2(CHD8):c.5755G>C (p.Glu1919Gln)

Gene: CHD8 (chromodomain helicase DNA binding protein 8; minus strand). Cytogenetic location: 14q11.2.
Variant type: single nucleotide variant.
Coding change: c.5755G>C on transcript NM_001170629.2 (MANE Select); coding-DNA position 5755, G replaced by C.
Protein change: p.Glu1919Gln; replaces glutamic acid 1919 with glutamine.
Molecular consequence: missense variant.
Genome position (GRCh38, 1-based): chr14:21,394,040, C>G on the plus strand (G>C on the coding strand, the complement: CHD8 is on the minus strand). VCF-style: chr14-21394040-C-G. GRCh37 (hg19) VCF-style: chr14-21862199-C-G.
Other names: c.4918G>C, p.Glu1640Gln (NM_020920.4); short protein forms E1919Q, E1640Q.
Identifiers: ClinVar variation 1969790 (VCV001969790.5), dbSNP rs760454358, ClinGen allele CA7090896.